The following is an entry in ClinVar:

NM_004563.4(PCK2):c.287G>T (p.Arg96Leu)

Genes: NRL (neural retina leucine zipper; minus strand), PCK2 (phosphoenolpyruvate carboxykinase 2, mitochondrial; plus strand). Cytogenetic location: 14q11.2.
Variant type: single nucleotide variant.
Coding change: c.287G>T on transcript NM_004563.4 (MANE Select); coding-DNA position 287, G replaced by T.
Protein change: p.Arg96Leu; replaces arginine 96 with leucine.
Molecular consequence: missense variant. On other transcripts: 5 prime UTR variant (2), intron variant (3).
Genome position (GRCh38, 1-based): chr14:24,098,214, G>T. VCF-style: chr14-24098214-G-T. GRCh37 (hg19) VCF-style: chr14-24567423-G-T.
Other names: c.287G>T, p.Arg96Leu (NM_001018073.3); c.-116G>T (NM_001291556.2, NM_001308054.2); c.-27-15339C>A (NM_001354768.3, NM_001354770.2); c.-253-13469C>A (NM_006177.5); short protein forms R96L.
Identifiers: ClinVar variation 2761941 (VCV002761941.3), dbSNP rs770940344, ClinGen allele CA7123082.

ClinVar aggregate classification (germline): Uncertain significance (1 of 4 stars; one submission).

gnomAD v4.1: 5 of 1,609,058 alleles (0.00031%); highest among the groups gnomAD compares: Admixed American, 0.0084%; no homozygotes.

Submission:

Labcorp Genetics (formerly Invitae), Labcorp
Classification: Uncertain significance. Last evaluated: 2023-08-09. Review status: criteria provided, single submitter. Criteria: Invitae Variant Classification Sherloc (09022015). Collection method: clinical testing. Allele origin: germline.
Comment: In summary, the available evidence is currently insufficient to determine the role of this variant in disease. Therefore, it has been classified as a Variant of Uncertain Significance. An algorithm developed to predict the effect of missense changes on protein structure and function (PolyPhen-2) suggests that this variant is likely to be disruptive. This variant has not been reported in the literature in individuals affected with PCK2-related conditions. This variant is present in population databases (rs770940344, gnomAD 0.02%). This sequence change replaces arginine, which is basic and polar, with leucine, which is neutral and non-polar, at codon 96 of the PCK2 protein (p.Arg96Leu).